The following is an entry in ClinVar:

NM_000094.4(COL7A1):c.6900+3G>A

Gene: COL7A1 (collagen type VII alpha 1 chain; minus strand). Cytogenetic location: 3p21.31.
Variant type: single nucleotide variant.
Coding change: c.6900+3G>A on transcript NM_000094.4 (MANE Select); 3 bases into the intron after coding-DNA position 6900, G replaced by A.
Molecular consequence: intron variant.
Genome position (GRCh38, 1-based): chr3:48,572,668, C>T on the plus strand (G>A on the coding strand, the complement: COL7A1 is on the minus strand). VCF-style: chr3-48572668-C-T. GRCh37 (hg19) VCF-style: chr3-48610101-C-T.
Identifiers: ClinVar variation 3002947 (VCV003002947.3), dbSNP rs777981069, ClinGen allele CA2378810.

ClinVar aggregate classification (germline): Uncertain significance (1 of 4 stars; one submission).

Allele frequency attached by ClinVar (database versions not stated): TOPMed below 0.00001; gnomAD 0.00001; ExAC 0.00002.
gnomAD v4.1: 4 of 1,602,452 alleles (0.00025%); highest among the groups gnomAD compares: Admixed American, 0.0051%; no homozygotes.

Submission:

Labcorp Genetics (formerly Invitae), Labcorp
Classification: Uncertain significance. Last evaluated: 2024-01-31. Review status: criteria provided, single submitter. Criteria: Invitae Variant Classification Sherloc (09022015). Collection method: clinical testing. Allele origin: germline.
Comment: This sequence change falls in intron 87 of the COL7A1 gene. It does not directly change the encoded amino acid sequence of the COL7A1 protein. It affects a nucleotide within the consensus splice site. This variant is present in population databases (rs777981069, gnomAD 0.006%). This variant has not been reported in the literature in individuals affected with COL7A1-related conditions. Variants that disrupt the consensus splice site are a relatively common cause of aberrant splicing (PMID: 17576681, 9536098). Algorithms developed to predict the effect of sequence changes on RNA splicing suggest that this variant is not likely to affect RNA splicing. This variant disrupts the c.6900+3G nucleotide in the COL7A1 gene. Other variant(s) that disrupt this nucleotide have been determined to be pathogenic (PMID: 29512192). This suggests that this nucleotide is clinically significant, and that variants that disrupt this position are likely to be disease-causing. In summary, the available evidence is currently insufficient to determine the role of this variant in disease. Therefore, it has been classified as a Variant of Uncertain Significance.

Literature cited by the submitters: PubMed 17576681; PubMed 9536098; PubMed 29512192.